The following is an entry in ClinVar:

ClinVar aggregate classification (germline): Pathogenic. Review status: criteria provided, multiple submitters, no conflicts (2 of 4 stars). 9 submissions from 9 submitters: Pathogenic (8). 1 of the submissions does not count toward it. Last evaluated 2025-10-09.

Conditions:
CACNA1F-related disorder. Also called: CACNA1F-related condition.
Aland island eye disease (AIED). Also called: Forsius Eriksson type ocular albinism. Identifiers: Orphanet 178333, MedGen C0268505, MONDO:0010371, OMIM 300600.
Cone-rod dystrophy. Also called: Cone/cone-rod dystrophy; Cone-rod degeneration. Identifiers: Orphanet 1872, MedGen C4085590, MONDO:0015993, HP:0000548.
Retinal disorder. Also called: Retinopathy; Retinopathies; Retinal Diseases; Retinal disorders. Identifiers: MedGen C0035309, MONDO:0005283, HP:0000488.

Allele frequency attached by ClinVar (database versions not stated): gnomAD exomes below 0.00001 and 0.00001; TOPMed 0.00001.
gnomAD v4.1: 5 of 1,211,833 alleles (0.00041%); highest among the groups gnomAD compares: East Asian, 0.003%; no homozygotes.

Submissions (9):

Genetics Laboratory, Great Ormond Street Hospital NHS Foundation Trust, North Thames Genomic Laboratory Hub
Classification: Pathogenic for Retinal disorders. Last evaluated: 2025-10-09. Review status: criteria provided, single submitter. Criteria: ACGS Best Practice Guidelines for Variant Classification in Rare Disease 2024 v1.2. Collection method: clinical testing. Allele origin: germline. Affected: yes.
Comment: PS4_moderate, PM2_moderate, PVS1_very-strong

3billion
Classification: Pathogenic for CACNA1F-related disorder. Last evaluated: 2025-07-30. Review status: criteria provided, single submitter. Criteria: ACMG Guidelines, 2015. Collection method: clinical testing. Allele origin: germline. Affected: yes.
Comment: The variant is observed at an extremely low frequency in the gnomAD v4.1.0 dataset (total allele frequency: <0.001%). Predicted Consequence/Location: Stop-gained (nonsense): predicted to result in a loss or disruption of normal protein function through nonsense-mediated decay (NMD) or protein truncation. Multiple pathogenic variants are reported downstream of the variant. The variant has been reported at least twice as pathogenic with clinical assertions and evidence for the classification (ClinVar ID: VCV000195237 /PMID: 11281458). Therefore, this variant is classified as Pathogenic according to the recommendation of ACMG/AMP guideline.

Blueprint Genetics
Classification: Pathogenic for CACNA1F-related disorders. Last evaluated: 2024-10-09. Review status: criteria provided, single submitter. Criteria: ACMG Guidelines, 2015. Collection method: clinical testing. Allele origin: germline. Affected: yes. Observed: 5 variant alleles.

CeGaT Center for Human Genetics Tuebingen
Classification: Pathogenic. Last evaluated: 2024-10-01. Review status: criteria provided, single submitter. Criteria: CeGaT Center For Human Genetics Tuebingen Variant Classification Criteria Version 2. Collection method: clinical testing. Allele origin: germline. Affected: yes. Observed: 4 variant alleles.
Comment: CACNA1F: PVS1, PM2, PS4:Moderate

GeneDx
Classification: Pathogenic. Last evaluated: 2024-03-22. Review status: criteria provided, single submitter. Criteria: GeneDx Variant Classification Process June 2021. Collection method: clinical testing. Allele origin: germline. Affected: yes.
Comment: Nonsense variant predicted to result in protein truncation or nonsense mediated decay in a gene for which loss-of-function is a known mechanism of disease; This variant is associated with the following publications: (PMID: 25525159, 30718709, 28002560, 32141364, 12111638, 30825406, 25307992, 31429209, 27535533, 11281458)

Labcorp Genetics (formerly Invitae), Labcorp
Classification: Pathogenic. Last evaluated: 2023-09-20. Review status: criteria provided, single submitter. Criteria: Invitae Variant Classification Sherloc (09022015). Collection method: clinical testing. Allele origin: germline.
Comment: This sequence change creates a premature translational stop signal (p.Arg82*) in the CACNA1F gene. It is expected to result in an absent or disrupted protein product. Loss-of-function variants in CACNA1F are known to be pathogenic (PMID: 9662399, 11281458, 17525176, 22194652, 24124559, 26992781). The frequency data for this variant in the population databases is considered unreliable, as metrics indicate poor data quality at this position in the gnomAD database. For these reasons, this variant has been classified as Pathogenic. Algorithms developed to predict the effect of sequence changes on RNA splicing suggest that this variant may disrupt the consensus splice site. ClinVar contains an entry for this variant (Variation ID: 195237). This premature translational stop signal has been observed in individual(s) with congenital stationary night blindness (PMID: 11281458).

Cambridge Genomics Laboratory, East Genomic Laboratory Hub, NHS Genomic Medicine Service
Classification: Pathogenic for Cone-rod dystrophy. Last evaluated: 2020-01-13. Review status: criteria provided, single submitter. Criteria: ACGS Best Practice Guidelines for Variant Classification in Rare Disease 2020. Collection method: clinical testing. Allele origin: germline. Affected: yes. Observed: 1 variant allele.

Eurofins Ntd Llc (ga)
Classification: Pathogenic. Last evaluated: 2014-06-02. Review status: criteria provided, single submitter. Criteria: EGL Classification Definitions 2015. Collection method: clinical testing. Allele origin: germline. Observed: 1 variant allele, 1 hemizygote.

Department of Clinical Genetics, Copenhagen University Hospital, Rigshospitalet
Classification: Pathogenic for Ocular albinism, type II. Last evaluated: 2018-04-01. Review status: no assertion criteria provided. Collection method: research. Allele origin: unknown. Affected: yes. Study: VeluxRD. Not counted in ClinVar's aggregate classification.

Literature cited by the submitters: PubMed 11281458 (cited by 3billion and Labcorp Genetics (formerly Invitae), Labcorp); PubMed 9662399 (cited by Labcorp Genetics (formerly Invitae), Labcorp); PubMed 17525176 (cited by Labcorp Genetics (formerly Invitae), Labcorp); PubMed 22194652 (cited by Labcorp Genetics (formerly Invitae), Labcorp); PubMed 24124559 (cited by Labcorp Genetics (formerly Invitae), Labcorp); PubMed 26992781 (cited by Labcorp Genetics (formerly Invitae), Labcorp); PubMed 30718709 (cited by Department of Clinical Genetics, Copenhagen University Hospital, Rigshospitalet).

NM_001256789.3(CACNA1F):c.244C>T (p.Arg82Ter)

Gene: CACNA1F (calcium voltage-gated channel subunit alpha1 F; minus strand). Cytogenetic location: Xp11.23.
Variant type: single nucleotide variant.
Coding change: c.244C>T on transcript NM_001256789.3 (MANE Select); coding-DNA position 244, C replaced by T.
Protein change: p.Arg82Ter; replaces arginine 82 with a stop codon.
Molecular consequence: nonsense. On other transcripts: intron variant (1).
Genome position (GRCh38, 1-based): chrX:49,231,709, G>A on the plus strand (C>T on the coding strand, the complement: CACNA1F is on the minus strand). VCF-style: chrX-49231709-G-A. GRCh37 (hg19) VCF-style: chrX-49088171-G-A.
Other names: c.244C>T, p.Arg82Ter (NM_005183.4); c.66-17C>T (NM_001256790.3); c.244C>T (NM_005183.2); short protein forms R82*.
Identifiers: ClinVar variation 195237 (VCV000195237.45), dbSNP rs797044676, ClinGen allele CA201635.